The following is an entry in ClinVar:

NM_003394.4(WNT10B):c.337_337+1delinsTGTGAGGA

Gene: WNT10B (Wnt family member 10B; minus strand). Cytogenetic location: 12q13.12.
Variant type: Indel.
Coding change: c.337_337+1delinsTGTGAGGA on transcript NM_003394.4 (MANE Select); coding-DNA position 337 through the canonical splice donor site of the intron after coding-DNA position 337, GG replaced by TGTGAGGA.
Molecular consequence: splice donor variant.
Genome position (GRCh38, 1-based): chr12:48,970,088-48,970,089, CC replaced by TCCTCACA on the plus strand (GG replaced by TGTGAGGA on the coding strand, the reverse complement: WNT10B is on the minus strand). VCF-style: chr12-48970088-CC-TCCTCACA. GRCh37 (hg19) VCF-style: chr12-49363871-CC-TCCTCACA.
Identifiers: ClinVar variation 4845799 (VCV004845799.1).

ClinVar aggregate classification (germline): Likely pathogenic (1 of 4 stars; one submission).

Conditions:
Split hand-foot malformation 6. Also called: ECTRODACTYLY, AUTOSOMAL RECESSIVE. Identifiers: Orphanet 2440, MedGen C2749665, MONDO:0009157, OMIM 225300.

Submission:

First Genomix Gene Laboratory, Genetic Diagnostics Department
Classification: Likely pathogenic for Split hand-foot malformation 6. Last evaluated: 2025-03-14. Review status: criteria provided, single submitter. Criteria: ACMG Guidelines, 2015. Collection method: clinical testing. Allele origin: germline. Inheritance: Autosomal recessive inheritance. Affected: no. Observed: 1 variant allele.